The following is an entry in ClinVar:

ClinVar aggregate classification (germline): Uncertain significance (1 of 4 stars; one submission).

Conditions:
Dyskeratosis congenita, X-linked (DKCX). Also called: Zinsser-Cole-Engman Syndrome. Identifiers: MedGen C1148551, MONDO:0010584, OMIM 305000.

Allele frequency attached by ClinVar (database versions not stated): TOPMed below 0.00001; gnomAD 0.00001.

Submission:

Victorian Clinical Genetics Services, Murdoch Childrens Research Institute
Classification: Uncertain significance for Dyskeratosis congenita, X-linked. Last evaluated: 2022-02-02. Review status: criteria provided, single submitter. Criteria: ACMG Guidelines, 2015. Collection method: clinical testing. Allele origin: germline. Inheritance: X-linked recessive inheritance.
Comment: Based on the classification scheme VCGS_Germline_v1.3.4, this variant is classified as VUS-3C. Following criteria are met: 0102 - Loss of function is a known mechanism of disease in this gene and is associated with X-linked dyskeratosis congenita (MIM#305000). (I) 0109 - This gene is associated with X-linked recessive disease. (I) 0115 - Variants in this gene are known to have variable expressivity. Hoyeraal-Hreidarsson syndrome is considered a more severe form of dyskeratosis congenita and the same variant has been shown to result in both milder and severe forms of the condition in the same family (PMIDs: 18627054, 25940403). (I) 0200 - Variant is predicted to result in a missense amino acid change from lysine to arginine. (I) 0219 - This variant is non-coding in an alternative transcript, the NM_001288747.2 that lacks part of the C-terminal end (NCBI). (I) 0253 - This variant is hemizygous. (I) 0304 - Variant is present in gnomAD <0.01 for a recessive condition (v3: 1 heterozygote, 0 homozygotes). (SP) 0503 - Missense variant consistently predicted to be tolerated by multiple in silico tools or not conserved in placental mammals with a minor amino acid change. (SB) 0604 - Variant is not located in an established domain, motif, hotspot or informative constraint region. (I) 0705 - No comparable missense variants have previous evidence for pathogenicity. (I) 0807 - This variant has no previous evidence of pathogenicity. (I) 0905 - No published segregation evidence has been identified for this variant. (I) 1007 - No published functional evidence has been identified for this variant. (I) 1208 - Inheritance information for this variant is not currently available in this individual. (I) Legend: (SP) - Supporting pathogenic, (I) - Information, (SB) - Supporting benign

Literature cited by the submitters: PubMed 18627054; PubMed 25940403.

NM_001363.5(DKC1):c.1496A>G (p.Lys499Arg)

Gene: DKC1 (dyskerin pseudouridine synthase 1; plus strand). Cytogenetic location: Xq28.
Variant type: single nucleotide variant.
Coding change: c.1496A>G on transcript NM_001363.5 (MANE Select); coding-DNA position 1496, A replaced by G.
Protein change: p.Lys499Arg; replaces lysine 499 with arginine.
Molecular consequence: missense variant. On other transcripts: 3 prime UTR variant (1), non-coding transcript variant (3).
Genome position (GRCh38, 1-based): chrX:154,776,818, A>G. VCF-style: chrX-154776818-A-G. GRCh37 (hg19) VCF-style: chrX-154005093-A-G.
Other names: c.1481A>G, p.Lys494Arg (NM_001142463.3); c.*722A>G (NM_001288747.2); short protein forms K494R, K499R.
Identifiers: ClinVar variation 3254578 (VCV003254578.1), dbSNP rs1358702646.